The following is an entry in ClinVar:

NM_138420.4(AHNAK2):c.2698A>G (p.Lys900Glu)

Gene: AHNAK2 (AHNAK nucleoprotein 2; minus strand). Cytogenetic location: 14q32.33.
Variant type: single nucleotide variant.
Coding change: c.2698A>G on transcript NM_138420.4 (MANE Select); coding-DNA position 2698, A replaced by G.
Protein change: p.Lys900Glu; replaces lysine 900 with glutamic acid.
Molecular consequence: missense variant.
Genome position (GRCh38, 1-based): chr14:104,952,753, T>C on the plus strand (A>G on the coding strand, the complement: AHNAK2 is on the minus strand). VCF-style: chr14-104952753-T-C. GRCh37 (hg19) VCF-style: chr14-105419090-T-C.
Other names: c.2398A>G, p.Lys800Glu (NM_001350929.2); short protein forms K800E, K900E.
Identifiers: ClinVar variation 2644877 (VCV002644877.24), dbSNP rs1182246230, ClinGen allele CA391290586.

ClinVar aggregate classification (germline): Likely benign (1 of 4 stars; one submission).

Allele frequency attached by ClinVar (database versions not stated): TOPMed below 0.00001; gnomAD exomes 0.00001.
gnomAD v4.1: 10 of 1,612,394 alleles (0.00062%); highest among the groups gnomAD compares: Middle Eastern, 0.017%; no homozygotes.

Submission:

CeGaT Center for Human Genetics Tuebingen
Classification: Likely benign. Last evaluated: 2022-12-01. Review status: criteria provided, single submitter. Criteria: CeGaT Center For Human Genetics Tuebingen Variant Classification Criteria Version 2. Collection method: clinical testing. Allele origin: germline. Affected: yes. Observed: 1 variant allele.
Comment: AHNAK2: BP4